The following is an entry in ClinVar:

NM_001110556.2(FLNA):c.1133A>G (p.Gln378Arg)

Gene: FLNA (filamin A; minus strand). Cytogenetic location: Xq28.
Variant type: single nucleotide variant.
Coding change: c.1133A>G on transcript NM_001110556.2 (MANE Select); coding-DNA position 1133, A replaced by G.
Protein change: p.Gln378Arg; replaces glutamine 378 with arginine.
Molecular consequence: missense variant.
Genome position (GRCh38, 1-based): chrX:154,366,403, T>C on the plus strand (A>G on the coding strand, the complement: FLNA is on the minus strand). VCF-style: chrX-154366403-T-C. GRCh37 (hg19) VCF-style: chrX-153594771-T-C.
Other names: c.1133A>G, p.Gln378Arg (NM_001456.4); short protein forms Q378R.
Identifiers: ClinVar variation 2127894 (VCV002127894.4), dbSNP rs1176462315, ClinGen allele CA415244559.
Genomic context (GRCh38, chrX:154,366,403, plus strand): 5'-GCGATGTTGCCACTGGGCTCCAGGCCGGGACCTTGGGCTGTCACTTTGCTGGCGTCACCC[T>C]GTGACTTATCCACGTACACCTCGAAGGGGCTCTTGGCGATGTGCTGGCCAGCAAAGAGCA-3'
Protein context (NP_001104026.1, residues 368-388): SPFEVYVDKS[Gln378Arg]GDASKVTAQG

ClinVar aggregate classification (germline): Uncertain significance (1 of 4 stars; one submission).

Conditions:
Melnick-Needles syndrome (MNS). Also called: MELNICK-NEEDLES OSTEODYSPLASTY; OSTEODYSPLASTY OF MELNICK AND NEEDLES; Melnick-Needles Syndrome (FLNA-MNS). Identifiers: Orphanet 2484, MedGen C0025237, MONDO:0010650, OMIM 309350.
Heterotopia, periventricular, X-linked dominant (PVNH1). Also called: PERIVENTRICULAR NODULAR HETEROTOPIA 1; X-linked periventricular heterotopia; PERIVENTRICULAR NODULAR HETEROTOPIA 4; HETEROTOPIA, PERIVENTRICULAR, 1. Identifiers: Orphanet 2149, Orphanet 82004, MedGen C1848213, MONDO:0010233, OMIM 300049.
Frontometaphyseal dysplasia (FMD1). Identifiers: Orphanet 1826, MedGen C0265293, MONDO:0015942.
Oto-palato-digital syndrome, type II (OPD2). Also called: FACIOPALATOOSSEOUS SYNDROME; OPD II SYNDROME; Otopalatodigital Syndrome Type 2 (FLNA-OPD2); Otopalatodigital Syndrome, Type II. Identifiers: Orphanet 669, Orphanet 90652, MedGen C1844696, MONDO:0010571, OMIM 304120.

Allele frequency attached by ClinVar (database versions not stated): TOPMed 0.00001.

Submission:

Labcorp Genetics (formerly Invitae), Labcorp
Classification: Uncertain significance for Oto-palato-digital syndrome, type II; Heterotopia, periventricular, X-linked dominant; Frontometaphyseal dysplasia; Melnick-Needles syndrome. Last evaluated: 2022-04-19. Review status: criteria provided, single submitter. Criteria: Invitae Variant Classification Sherloc (09022015). Collection method: clinical testing. Allele origin: germline.
Comment: This variant is not present in population databases (gnomAD no frequency). In summary, the available evidence is currently insufficient to determine the role of this variant in disease. Therefore, it has been classified as a Variant of Uncertain Significance. Advanced modeling of protein sequence and biophysical properties (such as structural, functional, and spatial information, amino acid conservation, physicochemical variation, residue mobility, and thermodynamic stability) performed at Invitae indicates that this missense variant is not expected to disrupt FLNA protein function. This variant has not been reported in the literature in individuals affected with FLNA-related conditions. This sequence change replaces glutamine, which is neutral and polar, with arginine, which is basic and polar, at codon 378 of the FLNA protein (p.Gln378Arg).